The following is an entry in ClinVar:

NM_017636.4(TRPM4):c.2132+5G>T

Gene: TRPM4 (transient receptor potential cation channel subfamily M member 4; plus strand). Cytogenetic location: 19q13.33.
Variant type: single nucleotide variant.
Coding change: c.2132+5G>T on transcript NM_017636.4 (MANE Select); 5 bases into the intron after coding-DNA position 2132, G replaced by T.
Molecular consequence: intron variant.
Genome position (GRCh38, 1-based): chr19:49,190,325, G>T. VCF-style: chr19-49190325-G-T. GRCh37 (hg19) VCF-style: chr19-49693582-G-T.
Other names: c.2132+5G>T (NM_001195227.2); c.524+5G>T (NM_001321282.2); c.1787+5G>T (NM_001321281.2); c.1610+5G>T (NM_001321283.2); c.1070+5G>T (NM_001321285.2).
Identifiers: ClinVar variation 1786421 (VCV001786421.8), dbSNP rs368773450, ClinGen allele CA9569443.

ClinVar aggregate classification (germline): Uncertain significance. Review status: criteria provided, multiple submitters, no conflicts (2 of 4 stars). 2 submissions from 2 submitters: Uncertain significance (2). Last evaluated 2025-05-07.

Conditions:
Progressive familial heart block type IB (PFHB1B). Identifiers: Orphanet 871, MedGen C1970298, MONDO:0011474, OMIM 604559.
Cardiovascular phenotype. Identifiers: MedGen CN230736.

Allele frequency attached by ClinVar (database versions not stated): ESP Exome Variant Server 0.00008.
gnomAD v4.1: 4 of 1,612,866 alleles (0.00025%); highest among the groups gnomAD compares: African/African-American, 0.0053%; no homozygotes.

Submissions (2):

Ambry Genetics
Classification: Uncertain significance for Cardiovascular phenotype. Last evaluated: 2025-05-07. Review status: criteria provided, single submitter. Criteria: Ambry Variant Classification Scheme 2023. Collection method: clinical testing. Allele origin: germline.
Comment: The c.2132+5G>T intronic variant results from a G to T substitution 5 nucleotides after coding exon 15 in the TRPM4 gene. This nucleotide position is highly conserved in available vertebrate species. In silico splice site analysis predicts that this alteration may result in the creation or strengthening of a novel splice donor site. Since supporting evidence is limited at this time, the clinical significance of this alteration remains unclear.

Labcorp Genetics (formerly Invitae), Labcorp
Classification: Uncertain significance for Progressive familial heart block type IB. Last evaluated: 2024-07-24. Review status: criteria provided, single submitter. Criteria: Invitae Variant Classification Sherloc (09022015). Collection method: clinical testing. Allele origin: germline.
Comment: This sequence change falls in intron 15 of the TRPM4 gene. It does not directly change the encoded amino acid sequence of the TRPM4 protein. It affects a nucleotide within the consensus splice site. This variant is present in population databases (rs368773450, gnomAD 0.01%). This variant has not been reported in the literature in individuals affected with TRPM4-related conditions. ClinVar contains an entry for this variant (Variation ID: 1786421). Variants that disrupt the consensus splice site are a relatively common cause of aberrant splicing (PMID: 17576681, 9536098). Algorithms developed to predict the effect of sequence changes on RNA splicing suggest that this variant may disrupt the consensus splice site. In summary, the available evidence is currently insufficient to determine the role of this variant in disease. Therefore, it has been classified as a Variant of Uncertain Significance.

Literature cited by the submitters: PubMed 17576681 (cited by Labcorp Genetics (formerly Invitae), Labcorp); PubMed 9536098 (cited by Labcorp Genetics (formerly Invitae), Labcorp).